The following is an entry in ClinVar:

ClinVar aggregate classification (germline): Uncertain significance (1 of 4 stars; one submission).

gnomAD v4.1: 13 of 1,614,102 alleles (0.00081%); highest among the groups gnomAD compares: South Asian, 0.0099%; no homozygotes.

Submission:

Women's Health and Genetics/Laboratory Corporation of America, LabCorp
Classification: Uncertain significance. Last evaluated: 2025-12-31. Review status: criteria provided, single submitter. Criteria: LabCorp Variant Classification Summary - May 2015. Collection method: clinical testing. Allele origin: germline.
Comment: Variant summary: OCLN c.162C>G (p.His54Gln) results in a non-conservative amino acid change in the encoded protein sequence. Algorithms developed to predict the effect of missense changes on protein structure and function all suggest that this variant is likely to be disruptive. The variant allele was found at a frequency of 2.4e-05 in 251494 control chromosomes. The available data on variant occurrences in the general population are insufficient to allow any conclusion about variant significance. To our knowledge, no occurrence of c.162C>G in individuals affected with OCLN-related conditions and no experimental evidence demonstrating its impact on protein function have been reported. No submitters have cited clinical-significance assessments for this variant to ClinVar. Based on the evidence outlined above, the variant was classified as uncertain significance.

NM_001205254.2(OCLN):c.162C>G (p.His54Gln)

Gene: OCLN (occludin; plus strand). Cytogenetic location: 5q13.2.
Variant type: single nucleotide variant.
Coding change: c.162C>G on transcript NM_001205254.2 (MANE Select); coding-DNA position 162, C replaced by G.
Protein change: p.His54Gln; replaces histidine 54 with glutamine.
Molecular consequence: missense variant. On other transcripts: intron variant (1).
Genome position (GRCh38, 1-based): chr5:69,509,252, C>G. VCF-style: chr5-69509252-C-G. GRCh37 (hg19) VCF-style: chr5-68805079-C-G.
Other names: c.162C>G, p.His54Gln (NM_001410743.1, NM_001438048.1, NM_001438604.1 and 1 more transcripts); c.-24-4696C>G (NM_001205255.2); short protein forms H54Q.
Identifiers: ClinVar variation 4688767 (VCV004688767.1).